The following is an entry in ClinVar:

ClinVar aggregate classification (germline): Uncertain significance (1 of 4 stars; one submission).

Submission:

Labcorp Genetics (formerly Invitae), Labcorp
Classification: Uncertain significance. Last evaluated: 2025-10-27. Review status: criteria provided, single submitter. Criteria: Invitae Variant Classification Sherloc (09022015). Collection method: clinical testing. Allele origin: germline.
Comment: This sequence change affects codon 299 of the HPS5 mRNA. It is a 'silent' change, meaning that it does not change the encoded amino acid sequence of the HPS5 protein. It affects a nucleotide within the consensus splice site. This variant is not present in population databases (gnomAD no frequency). This variant has not been reported in the literature in individuals affected with HPS5-related conditions. Algorithms developed to predict the effect of sequence changes on RNA splicing suggest that this variant is not likely to affect RNA splicing. In summary, the available evidence is currently insufficient to determine the role of this variant in disease. Therefore, it has been classified as a Variant of Uncertain Significance.

NM_181507.2(HPS5):c.897T>C (p.Ser299=)

Gene: HPS5 (HPS5 biogenesis of lysosomal organelles complex 2 subunit 2; minus strand). Cytogenetic location: 11p15.1.
Variant type: single nucleotide variant.
Coding change: c.897T>C on transcript NM_181507.2 (MANE Select); coding-DNA position 897, T replaced by C.
Protein change: p.Ser299=; no amino-acid change (serine 299 retained).
Molecular consequence: synonymous variant.
Genome position (GRCh38, 1-based): chr11:18,300,916, A>G on the plus strand (T>C on the coding strand, the complement: HPS5 is on the minus strand). VCF-style: chr11-18300916-A-G. GRCh37 (hg19) VCF-style: chr11-18322463-A-G.
Other names: c.897T>C, p.Ser299= (NM_001440902.1, NM_001440903.1, NM_001440904.1 and 5 more transcripts); c.822T>C, p.Ser274= (NM_001440907.1, NM_001440908.1, NM_001440909.1); c.786T>C, p.Ser262= (NM_001440913.1, NM_001440914.1, NM_001440915.1); c.711T>C, p.Ser237= (NM_001440918.1); c.684T>C, p.Ser228= (NM_001440919.1); c.555T>C, p.Ser185= (NM_001440920.1, NM_001440921.1, NM_001440922.1 and 7 more transcripts); c.483T>C, p.Ser161= (NM_001440927.1, NM_001440928.1, NM_001440929.1).
Identifiers: ClinVar variation 4723380 (VCV004723380.1).